The following is an entry in ClinVar:

ClinVar aggregate classification (germline): Likely pathogenic (1 of 4 stars; one submission).

Conditions:
Sjögren-Larsson syndrome (SLS). Also called: FATTY ALCOHOL:NAD+ OXIDOREDUCTASE DEFICIENCY; FATTY ALDEHYDE DEHYDROGENASE DEFICIENCY; ICHTHYOSIS, SPASTIC NEUROLOGIC DISORDER, AND OLIGOPHRENIA; FALDH DEFICIENCY. Identifiers: Orphanet 816, MedGen C0037231, MONDO:0010031, OMIM 270200.

Submission:

Myriad Genetics, Inc.
Classification: Likely pathogenic for Sjögren-Larsson syndrome. Last evaluated: 2019-12-04. Review status: criteria provided, single submitter. Criteria: Myriad Women's Health Autosomal Recessive and X-Linked Classification Criteria (2019). Collection method: clinical testing. Allele origin: unknown.
Comment: NM_000382.2(ALDH3A2):c.571A>T(K191*) is expected to be pathogenic in the context of Sjogren-Larsson syndrome. This variant is predicted to lead to an abnormal or absent protein product due to the creation of a premature termination codon in ALDH3A2, a gene where loss-of-function variants are known to be pathogenic. Please note: this variant was assessed in the context of healthy population screening.

NM_000382.3(ALDH3A2):c.571A>T (p.Lys191Ter)

Gene: ALDH3A2 (aldehyde dehydrogenase 3 family member A2; plus strand). Cytogenetic location: 17p11.2.
Variant type: single nucleotide variant.
Coding change: c.571A>T on transcript NM_000382.3 (MANE Select); coding-DNA position 571, A replaced by T.
Protein change: p.Lys191Ter; replaces lysine 191 with a stop codon.
Molecular consequence: nonsense. On other transcripts: 5 prime UTR variant (1).
Genome position (GRCh38, 1-based): chr17:19,656,465, A>T. VCF-style: chr17-19656465-A-T. GRCh37 (hg19) VCF-style: chr17-19559778-A-T.
Other names: c.571A>T, p.Lys191Ter (NM_001031806.2, NM_001369136.1, NM_001369137.2 and 3 more transcripts); c.-9A>T (NM_001369148.2); short protein forms K191*.
Identifiers: ClinVar variation 983809 (VCV000983809.3), dbSNP rs377139218, ClinGen allele CA398706445.